The following is an entry in ClinVar:

NM_001256627.2(BRSK2):c.1704G>A (p.Thr568=)

Gene: BRSK2 (BR serine/threonine kinase 2; plus strand). Cytogenetic location: 11p15.5.
Variant type: single nucleotide variant.
Coding change: c.1704G>A on transcript NM_001256627.2 (MANE Select); coding-DNA position 1704, G replaced by A.
Protein change: p.Thr568=; no amino-acid change (threonine 568 retained).
Molecular consequence: synonymous variant. On other transcripts: non-coding transcript variant (1).
Genome position (GRCh38, 1-based): chr11:1,456,383, G>A. VCF-style: chr11-1456383-G-A. GRCh37 (hg19) VCF-style: chr11-1477613-G-A.
Other names: c.1704G>A, p.Thr568= (NM_001256629.2, NM_003957.4); c.1842G>A, p.Thr614= (NM_001256630.1); c.1524G>A, p.Thr508= (NM_001282218.2).
Identifiers: ClinVar variation 2641342 (VCV002641342.24), dbSNP rs376984308, ClinGen allele CA5811191.

ClinVar aggregate classification (germline): Likely benign (1 of 4 stars; one submission).

Allele frequency attached by ClinVar (database versions not stated): TOPMed 0.00010; gnomAD 0.00011; gnomAD exomes 0.00011; ESP Exome Variant Server 0.00016; ExAC 0.00021.

Submission:

CeGaT Center for Human Genetics Tuebingen
Classification: Likely benign. Last evaluated: 2022-07-01. Review status: criteria provided, single submitter. Criteria: CeGaT Center For Human Genetics Tuebingen Variant Classification Criteria Version 2. Collection method: clinical testing. Allele origin: germline. Affected: yes. Observed: 1 variant allele.
Comment: BRSK2: BP4, BP7